The following is an entry in ClinVar:

ClinVar aggregate classification (germline): Uncertain significance (1 of 4 stars; one submission).

Conditions:
Developmental and epileptic encephalopathy, 23 (DEE23). Also called: Epileptic encephalopathy, early infantile, 23. Identifiers: Orphanet 411986, MedGen C4014492, MONDO:0014371, OMIM 615859.

Allele frequency attached by ClinVar (database versions not stated): gnomAD exomes below 0.00001; ExAC 0.00001.

Submission:

Labcorp Genetics (formerly Invitae), Labcorp
Classification: Uncertain significance for Developmental and epileptic encephalopathy, 23. Last evaluated: 2022-04-18. Review status: criteria provided, single submitter. Criteria: Invitae Variant Classification Sherloc (09022015). Collection method: clinical testing. Allele origin: germline.
Comment: This sequence change replaces glutamic acid, which is acidic and polar, with lysine, which is basic and polar, at codon 217 of the DOCK7 protein (p.Glu217Lys). This variant is present in population databases (rs754655078, gnomAD 0.006%). This variant has not been reported in the literature in individuals affected with DOCK7-related conditions. Algorithms developed to predict the effect of missense changes on protein structure and function are either unavailable or do not agree on the potential impact of this missense change (SIFT: "Deleterious"; PolyPhen-2: "Probably Damaging"; Align-GVGD: "Class C0"). In summary, the available evidence is currently insufficient to determine the role of this variant in disease. Therefore, it has been classified as a Variant of Uncertain Significance.

NM_001367561.1(DOCK7):c.649G>A (p.Glu217Lys)

Gene: DOCK7 (dedicator of cytokinesis 7; minus strand). Cytogenetic location: 1p31.3.
Variant type: single nucleotide variant.
Coding change: c.649G>A on transcript NM_001367561.1 (MANE Select); coding-DNA position 649, G replaced by A.
Protein change: p.Glu217Lys; replaces glutamic acid 217 with lysine.
Molecular consequence: missense variant.
Genome position (GRCh38, 1-based): chr1:62,648,189, C>T on the plus strand (G>A on the coding strand, the complement: DOCK7 is on the minus strand). VCF-style: chr1-62648189-C-T. GRCh37 (hg19) VCF-style: chr1-63113860-C-T.
Other names: c.649G>A, p.Glu217Lys (NM_001271999.2, NM_001272000.2, NM_001272001.2 and 3 more transcripts); short protein forms E217K.
Identifiers: ClinVar variation 2045574 (VCV002045574.1), dbSNP rs754655078, ClinGen allele CA887152.